The following is an entry in ClinVar:

ClinVar aggregate classification (germline): Conflicting classifications of pathogenicity. Review status: criteria provided, conflicting classifications (1 of 4 stars). 5 submissions from 5 submitters: Uncertain significance (3); Benign (1). 1 of the submissions does not count toward it. Last evaluated 2026-01-05.

Conditions:
XDH-related disorder. Also called: XDH-related condition.
Hereditary xanthinuria type 1 (XAN1). Identifiers: Orphanet 3467, Orphanet 93601, MedGen C0268118, MONDO:0010209, OMIM 278300.
Xanthinuria type II. Also called: Xanthine dehydrogenase and aldehyde oxidase combined deficiency of; XDH and AOX dual deficiency. Identifiers: Orphanet 3467, Orphanet 93602, MedGen C1863688, MONDO:0011346, OMIM 603592.

Allele frequency attached by ClinVar (database versions not stated): TOPMed 0.00019; ExAC 0.00026; ESP Exome Variant Server 0.00038; gnomAD exomes 0.00040.

Submissions (5):

Labcorp Genetics (formerly Invitae), Labcorp
Classification: Benign for Xanthinuria type II. Last evaluated: 2026-01-05. Review status: criteria provided, single submitter. Criteria: Invitae Variant Classification Sherloc (09022015). Collection method: clinical testing. Allele origin: germline.

GeneDx
Classification: Uncertain significance. Last evaluated: 2025-06-10. Review status: criteria provided, single submitter. Criteria: GeneDx Variant Classification Process June 2021. Collection method: clinical testing. Allele origin: germline. Affected: yes.
Comment: In silico analysis supports that this missense variant has a deleterious effect on protein structure/function; Has not been previously published as pathogenic or benign in association with XDH-related disorders to our knowledge; This variant is associated with the following publications: (PMID: 36468602)

Revvity Omics, Revvity
Classification: Uncertain significance for Hereditary xanthinuria type 1. Last evaluated: 2020-10-11. Review status: criteria provided, single submitter. Criteria: ACMG Guidelines, 2015. Collection method: clinical testing. Allele origin: germline.

Illumina Laboratory Services, Illumina
Classification: Uncertain significance for Hereditary xanthinuria type 1. Last evaluated: 2018-01-12. Review status: criteria provided, single submitter. Criteria: ICSL Variant Classification Criteria 13 December 2019. Collection method: clinical testing. Allele origin: germline.

PreventionGenetics, part of Exact Sciences
Classification: Benign for XDH-related condition. Last evaluated: 2019-08-01. Review status: no assertion criteria provided. Collection method: clinical testing. Allele origin: germline. Not counted in ClinVar's aggregate classification.
Comment: This variant is classified as benign based on ACMG/AMP sequence variant interpretation guidelines (Richards et al. 2015 PMID: 25741868, with internal and published modifications).

NM_000379.4(XDH):c.670C>T (p.Arg224Trp)

Gene: XDH (xanthine dehydrogenase; minus strand). Cytogenetic location: 2p23.1.
Variant type: single nucleotide variant.
Coding change: c.670C>T on transcript NM_000379.4 (MANE Select); coding-DNA position 670, C replaced by T.
Protein change: p.Arg224Trp; replaces arginine 224 with tryptophan.
Molecular consequence: missense variant.
Genome position (GRCh38, 1-based): chr2:31,386,537, G>A on the plus strand (C>T on the coding strand, the complement: XDH is on the minus strand). VCF-style: chr2-31386537-G-A. GRCh37 (hg19) VCF-style: chr2-31609403-G-A.
Other names: short protein forms R224W.
Identifiers: ClinVar variation 895715 (VCV000895715.17), dbSNP rs147533056, ClinGen allele CA1599523.